The following is an entry in ClinVar:

NM_000222.3(KIT):c.2564A>G (p.Tyr855Cys)

Gene: KIT (KIT proto-oncogene, receptor tyrosine kinase; plus strand). Cytogenetic location: 4q12.
Variant type: single nucleotide variant.
Coding change: c.2564A>G on transcript NM_000222.3 (MANE Select); coding-DNA position 2564, A replaced by G.
Protein change: p.Tyr855Cys; replaces tyrosine 855 with cysteine.
Molecular consequence: missense variant.
Genome position (GRCh38, 1-based): chr4:54,736,577, A>G. VCF-style: chr4-54736577-A-G. GRCh37 (hg19) VCF-style: chr4-55602743-A-G.
Other names: c.2552A>G, p.Tyr851Cys (NM_001093772.2, NM_001385292.1); c.2567A>G, p.Tyr856Cys (NM_001385284.1); c.2561A>G, p.Tyr854Cys (NM_001385285.1); c.2549A>G, p.Tyr850Cys (NM_001385286.1); c.2555A>G, p.Tyr852Cys (NM_001385288.1); c.2564A>G, p.Tyr855Cys (NM_001385290.1); short protein forms Y851C, Y855C, Y850C, Y852C, Y854C, Y856C.
Identifiers: ClinVar variation 857642 (VCV000857642.19), dbSNP rs1722933723, ClinGen allele CA356913296.
Genomic context (GRCh38, chr4:54,736,577, plus strand): 5'-GGATGGCACCTGAAAGCATTTTCAACTGTGTATACACGTTTGAAAGTGACGTCTGGTCCT[A>G]TGGGATTTTTCTTTGGGAGCTGTTCTCTTTAGGTAAAATGATCCTTGCCAAAGACAACTT-3'
Protein context (NP_000213.1, residues 845-865): VYTFESDVWS[Tyr855Cys]GIFLWELFSL

ClinVar aggregate classification (germline): Conflicting classifications of pathogenicity. Review status: criteria provided, conflicting classifications (1 of 4 stars). 5 submissions from 5 submitters: Likely pathogenic (1); Uncertain significance (4). Last evaluated 2026-03-23.

Conditions:
Hereditary cancer-predisposing syndrome. Also called: Tumor predisposition; Neoplastic Syndromes, Hereditary; Hereditary neoplastic syndrome; Hereditary Cancer Syndrome. Identifiers: Orphanet 140162, MedGen C0027672, MeSH D009386, MONDO:0015356.
Gastrointestinal stromal tumor. Also called: Gastrointestinal stromal tumor, somatic; Gastrointestinal stroma tumor. Identifiers: Orphanet 44890, MedGen C0238198, MeSH D046152, MONDO:0011719, OMIM 606764, HP:0100723.
Acute myeloid leukemia (AML). Also called: Acute myeloid leukemia, adult; AML adult; Acute non-lymphocytic leukemia; Acute granulocytic leukemia; Leukemia, acute myeloid, somatic; Leukemia, acute myelogenous, somatic. Identifiers: Orphanet 519, MedGen C0023467, MeSH D015470, MONDO:0018874, OMIM 601626, HP:0004808. Disease mechanism: Constitutively activated FLT3.
Cutaneous mastocytosis. Also called: MASTOCYTOSIS, MACULOPAPULAR CUTANEOUS. Identifiers: Orphanet 66646, MedGen C1136033, MONDO:0019023, OMIM 154800, HP:0200151.
Piebaldism. Also called: Piebald skin depigmentation. Identifiers: Orphanet 2884, MedGen C0080024, MONDO:0008244, OMIM 172800, HP:0007544.
Germ cell tumor of testis (TGCT). Also called: GERM CELL TUMOR, SOMATIC; Testicular germ cell tumor. Identifiers: Orphanet 363504, MedGen C1336708, MONDO:0010108, OMIM 273300.

Allele frequency attached by ClinVar (database versions not stated): gnomAD exomes below 0.00001.
gnomAD v4.1: 1 of 1,614,086 alleles (0.000062%); highest among the groups gnomAD compares: Non-Finnish European, 0.000085%; no homozygotes.

Submissions (5):

Ambry Genetics
Classification: Uncertain significance for Hereditary cancer-predisposing syndrome. Last evaluated: 2026-03-23. Review status: criteria provided, single submitter. Criteria: Ambry Variant Classification Scheme 2023. Collection method: clinical testing. Allele origin: germline.
Comment: The p.Y855C variant (also known as c.2564A>G), located in coding exon 18 of the KIT gene, results from an A to G substitution at nucleotide position 2564. The tyrosine at codon 855 is replaced by cysteine, an amino acid with highly dissimilar properties. This amino acid position is conserved. In addition, this alteration is predicted to be deleterious by in silico analysis. Based on the available evidence, the clinical significance of this variant remains unclear.

Labcorp Genetics (formerly Invitae), Labcorp
Classification: Uncertain significance for Gastrointestinal stromal tumor. Last evaluated: 2023-01-26. Review status: criteria provided, single submitter. Criteria: Invitae Variant Classification Sherloc (09022015). Collection method: clinical testing. Allele origin: germline.
Comment: In summary, the available evidence is currently insufficient to determine the role of this variant in disease. Therefore, it has been classified as a Variant of Uncertain Significance. This sequence change replaces tyrosine, which is neutral and polar, with cysteine, which is neutral and slightly polar, at codon 855 of the KIT protein (p.Tyr855Cys). This variant is not present in population databases (gnomAD no frequency). This variant has not been reported in the literature in individuals affected with KIT-related conditions. ClinVar contains an entry for this variant (Variation ID: 857642). Algorithms developed to predict the effect of missense changes on protein structure and function are either unavailable or do not agree on the potential impact of this missense change (SIFT: "Deleterious"; PolyPhen-2: "Benign"; Align-GVGD: "Class C65").

GeneDx
Classification: Likely pathogenic. Last evaluated: 2022-09-02. Review status: criteria provided, single submitter. Criteria: GeneDx Variant Classification Process June 2021. Collection method: clinical testing. Allele origin: germline. Affected: yes.
Comment: Not observed at significant frequency in large population cohorts (gnomAD); In silico analysis supports that this missense variant has a deleterious effect on protein structure/function; Has not been previously published as pathogenic or benign to our knowledge

Blueprint Genetics
Classification: Uncertain significance. Last evaluated: 2019-11-01. Review status: criteria provided, single submitter. Criteria: ACMG Guidelines, 2015. Collection method: clinical testing. Allele origin: germline.

Center for Genomics, Ann and Robert H. Lurie Children's Hospital of Chicago
Classification: Uncertain significance for Gastrointestinal stromal tumor; Cutaneous mastocytosis; Piebaldism; Germ cell tumor of testis; Acute myeloid leukemia. Review status: criteria provided, single submitter. Criteria: ACMG Guidelines, 2015. Collection method: clinical testing. Allele origin: germline.
Comment: This variant has not been reported in the literature and is not present in large control databases. This variant is present in ClinVar (Variation ID:857642). Evolutionary conservation and computational predictive tools suggest that this variant may impact the protein. In summary, data on this variant is insufficient for disease classification. Therefore, the clinical significance of this variant is uncertain.